The following is an entry in ClinVar:

NM_016123.4(IRAK4):c.*1895G>A

Gene: IRAK4 (interleukin 1 receptor associated kinase 4; plus strand). Cytogenetic location: 12q12.
Variant type: single nucleotide variant.
Coding change: c.*1895G>A on transcript NM_016123.4 (MANE Select); 1895 bases downstream of the stop codon, G replaced by A.
Molecular consequence: 3 prime UTR variant.
Genome position (GRCh38, 1-based): chr12:43,788,610, G>A. VCF-style: chr12-43788610-G-A. GRCh37 (hg19) VCF-style: chr12-44182413-G-A.
Other names: c.*1895G>A (NM_001114182.3, NM_001145256.2, NM_001145257.2 and 9 more transcripts).
Identifiers: ClinVar variation 308756 (VCV000308756.6), dbSNP rs4251558, ClinGen allele CA10641246.

ClinVar aggregate classification (germline): Benign. Review status: criteria provided, multiple submitters, no conflicts (2 of 4 stars). 2 submissions from 2 submitters: Benign (2). Last evaluated 2018-01-13.

Conditions:
Immunodeficiency 67. Also called: Immunodeficiency due to interleukin-1 receptor-associated kinase-4 deficiency. Identifiers: Orphanet 70592, MedGen C1843256, MONDO:0011888, OMIM 607676.

Allele frequency attached by ClinVar (database versions not stated): 1000 Genomes Project 0.04373; 1000 Genomes Project 30x 0.04403; gnomAD 0.06071 and 0.06270; TOPMed 0.06324.

Submissions (2):

Illumina Laboratory Services, Illumina
Classification: Benign for Immunodeficiency 67. Last evaluated: 2018-01-13. Review status: criteria provided, single submitter. Criteria: ICSL Variant Classification Criteria 13 December 2019. Collection method: clinical testing. Allele origin: germline.
Comment: This variant was observed in the ICSL laboratory as part of a predisposition screen in an ostensibly healthy population. It had not been previously curated by ICSL or reported in the Human Gene Mutation Database (HGMD: prior to June 1st, 2018), and was therefore a candidate for classification through an automated scoring system. Utilizing variant allele frequency, disease prevalence and penetrance estimates, and inheritance mode, an automated score was calculated to assess if this variant is too frequent to cause the disease. Based on the score and internal cut-off values, a variant classified as benign is not then subjected to further curation. The score for this variant resulted in a classification of benign for this disease.

Breakthrough Genomics
Classification: Benign. Review status: criteria provided, single submitter. Criteria: ACMG Guidelines, 2015. Collection method: not provided. Allele origin: germline. Inheritance: Autosomal recessive inheritance. Affected: yes.